The following is an entry in ClinVar:

NM_001040151.2(SCN3B):c.585-1G>C

Gene: SCN3B (sodium voltage-gated channel beta subunit 3; minus strand). Cytogenetic location: 11q24.1.
Variant type: single nucleotide variant.
Coding change: c.585-1G>C on transcript NM_001040151.2 (MANE Select); the canonical splice acceptor site of the intron before coding-DNA position 585, G replaced by C.
Molecular consequence: splice acceptor variant.
Genome position (GRCh38, 1-based): chr11:123,634,207, C>G on the plus strand (G>C on the coding strand, the complement: SCN3B is on the minus strand). VCF-style: chr11-123634207-C-G. GRCh37 (hg19) VCF-style: chr11-123504915-C-G.
Other names: c.585-1G>C (NM_018400.4).
Identifiers: ClinVar variation 2184067 (VCV002184067.4), dbSNP rs1407346895, ClinGen allele CA383070106.
Genomic context (GRCh38, chr11:123,634,207, plus strand): 5'-TCCTCCACTGGTACCGCAGAGTTCTCCTTGTTCTCAGATGGGATGGCAAGGTAGTCAGAC[C>G]TATAGAGGACACAGGGAAAGGGAATCAGAGCTTCAGTGCCCAGCGTGGGAACACAAGATG-3'

ClinVar aggregate classification (germline): Uncertain significance (1 of 4 stars; one submission).

Conditions:
Brugada syndrome 7 (BRGDA7). Identifiers: Orphanet 130, MedGen C2751088, MONDO:0013146, OMIM 613120.

Submission:

Labcorp Genetics (formerly Invitae), Labcorp
Classification: Uncertain significance for Brugada syndrome 7. Last evaluated: 2022-02-21. Review status: criteria provided, single submitter. Criteria: Invitae Variant Classification Sherloc (09022015). Collection method: clinical testing. Allele origin: germline.
Comment: This variant is not present in population databases (gnomAD no frequency). In summary, the available evidence is currently insufficient to determine the role of this variant in disease. Therefore, it has been classified as a Variant of Uncertain Significance. Variants that disrupt the consensus splice site are a relatively common cause of aberrant splicing (PMID: 17576681, 9536098). Algorithms developed to predict the effect of sequence changes on RNA splicing suggest that this variant may disrupt the consensus splice site. This variant has not been reported in the literature in individuals affected with SCN3B-related conditions. This sequence change falls in intron 4 of the SCN3B gene. It does not directly change the encoded amino acid sequence of the SCN3B protein. It affects a nucleotide within the consensus splice site.

Literature cited by the submitters: PubMed 17576681; PubMed 9536098.